The following is an entry in ClinVar:

NM_012082.4(ZFPM2):c.3202C>T (p.Gln1068Ter)

Genes: ZFPM2 (zinc finger protein, FOG family member 2; plus strand), ZFPM2-AS1 (ZFPM2 antisense RNA 1; minus strand), LOC126860469 (BRD4-independent group 4 enhancer GRCh37_chr8:106814445-106815644; plus strand). Cytogenetic location: 8q23.1.
Variant type: single nucleotide variant.
Coding change: c.3202C>T on transcript NM_012082.4 (MANE Select); coding-DNA position 3202, C replaced by T.
Protein change: p.Gln1068Ter; replaces glutamine 1068 with a stop codon.
Molecular consequence: nonsense.
Genome position (GRCh38, 1-based): chr8:105,803,284, C>T. VCF-style: chr8-105803284-C-T. GRCh37 (hg19) VCF-style: chr8-106815512-C-T.
Other names: c.3043C>T, p.Gln1015Ter (NM_001362836.2); c.2806C>T, p.Gln936Ter (NM_001362837.2); short protein forms Q1015*, Q1068*, Q936*.
Identifiers: ClinVar variation 4535103 (VCV004535103.6).

ClinVar aggregate classification (germline): Likely pathogenic (1 of 4 stars; one submission).

Submission:

CeGaT Center for Human Genetics Tuebingen
Classification: Likely pathogenic. Last evaluated: 2025-10-01. Review status: criteria provided, single submitter. Criteria: CeGaT Center For Human Genetics Tuebingen Variant Classification Criteria Version 2. Collection method: clinical testing. Allele origin: germline. Affected: yes. Observed: 1 variant allele.
Comment: ZFPM2: PVS1:Strong, PM2